The following is an entry in ClinVar:

ClinVar aggregate classification (germline): Uncertain significance (1 of 4 stars; one submission).

Conditions:
KSR2-related disorder. Also called: KSR2-related condition.

gnomAD v4.1: 1 of 1,613,916 alleles (0.000062%); highest among the groups gnomAD compares: South Asian, 0.0011%; no homozygotes.

Submission:

PreventionGenetics, part of Exact Sciences
Classification: Uncertain significance for KSR2-related condition. Last evaluated: 2025-11-25. Review status: criteria provided, single submitter. Criteria: ACMG Guidelines, 2015. Collection method: clinical testing. Allele origin: germline.
Comment: The KSR2 c.2536A>G variant is predicted to result in the amino acid substitution p.Lys846Glu. To our knowledge, this variant has not been reported in the literature or in a large population database (gnomAD), indicating this variant is rare. At this time, the clinical significance of this variant is uncertain due to the absence of conclusive functional and genetic evidence.

NM_173598.6(KSR2):c.2623A>G (p.Lys875Glu)

Gene: KSR2 (kinase suppressor of ras 2; minus strand). Cytogenetic location: 12q24.22.
Variant type: single nucleotide variant.
Coding change: c.2623A>G on transcript NM_173598.6 (MANE Select); coding-DNA position 2623, A replaced by G.
Protein change: p.Lys875Glu; replaces lysine 875 with glutamic acid.
Molecular consequence: missense variant.
Genome position (GRCh38, 1-based): chr12:117,471,280, T>C on the plus strand (A>G on the coding strand, the complement: KSR2 is on the minus strand). VCF-style: chr12-117471280-T-C. GRCh37 (hg19) VCF-style: chr12-117909085-T-C.
Other names: short protein forms K875E.
Identifiers: ClinVar variation 4991459 (VCV004991459.1).